The following is an entry in ClinVar:

NM_024426.6(WT1):c.785-4G>T

Gene: WT1 (WT1 transcription factor; minus strand). Cytogenetic location: 11p13.
Variant type: single nucleotide variant.
Coding change: c.785-4G>T on transcript NM_024426.6 (MANE Select); 4 bases into the intron before coding-DNA position 785, G replaced by T.
Molecular consequence: intron variant.
Genome position (GRCh38, 1-based): chr11:32,428,062, C>A on the plus strand (G>T on the coding strand, the complement: WT1 is on the minus strand). VCF-style: chr11-32428062-C-A. GRCh37 (hg19) VCF-style: chr11-32449608-C-A.
Other names: c.662-4G>T (NM_001407050.1, NM_001407047.1); c.785-4G>T (NM_001407048.1, NM_001407049.1, NM_000378.6 and 4 more transcripts); c.566-4G>T (NM_001429034.1, NM_001429033.1, NM_001429032.1 and 1 more transcripts); c.23-4G>T (NM_001407051.1); c.134-4G>T (NM_001198552.2, NM_001198551.2).
Identifiers: ClinVar variation 3386201 (VCV003386201.1).

ClinVar aggregate classification (germline): Likely benign (1 of 4 stars; one submission).

Conditions:
Wilms tumor 1 (WT1). Also called: Wilms tumor, somatic. Identifiers: Orphanet 654, MedGen CN033288, MONDO:0008679, OMIM 194070.

Submission:

All of Us Research Program, National Institutes of Health
Classification: Likely benign for Wilms tumor 1. Last evaluated: 2024-05-14. Review status: criteria provided, single submitter. Criteria: ACMG Guidelines, 2015. Collection method: clinical testing. Allele origin: germline. Inheritance: Autosomal dominant inheritance. Observed: 1 variant allele, 1 heterozygote.
Comment: This study involves interpretation of variants in research participants for the purpose of population health screening. Participant phenotype was not available at the time of variant classification. Additional details can be found in publication PMID: 35346344, PMCID: PMC8962531